The following is an entry in ClinVar:

NM_152703.5(SAMD9L):c.1631T>G (p.Leu544Trp)

Gene: SAMD9L (sterile alpha motif domain containing 9 like; minus strand). Cytogenetic location: 7q21.2.
Variant type: single nucleotide variant.
Coding change: c.1631T>G on transcript NM_152703.5 (MANE Select); coding-DNA position 1631, T replaced by G.
Protein change: p.Leu544Trp; replaces leucine 544 with tryptophan.
Molecular consequence: missense variant.
Genome position (GRCh38, 1-based): chr7:93,134,341, A>C on the plus strand (T>G on the coding strand, the complement: SAMD9L is on the minus strand). VCF-style: chr7-93134341-A-C. GRCh37 (hg19) VCF-style: chr7-92763654-A-C.
Other names: c.1631T>G, p.Leu544Trp (NM_001303496.3, NM_001303497.3, NM_001303498.3 and 5 more transcripts); short protein forms L544W.
Identifiers: ClinVar variation 3792510 (VCV003792510.1).

ClinVar aggregate classification (germline): Uncertain significance (1 of 4 stars; one submission).

Conditions:
Inborn genetic diseases. Identifiers: MedGen C0950123, MeSH D030342.

Submission:

Ambry Genetics
Classification: Uncertain significance for Inborn genetic diseases. Last evaluated: 2025-03-10. Review status: criteria provided, single submitter. Criteria: Ambry Variant Classification Scheme 2023. Collection method: clinical testing. Allele origin: germline.
Comment: The p.L544W variant (also known as c.1631T>G), located in coding exon 1 of the SAMD9L gene, results from a T to G substitution at nucleotide position 1631. The leucine at codon 544 is replaced by tryptophan, an amino acid with similar properties. This amino acid position is conserved. In addition, this alteration is predicted to be tolerated by in silico analysis. Based on the available evidence, the clinical significance of this variant remains unclear.